The following is an entry in ClinVar:

NM_004924.6(ACTN4):c.2074C>G (p.Gln692Glu)

Gene: ACTN4 (actinin alpha 4; plus strand). Cytogenetic location: 19q13.2.
Variant type: single nucleotide variant.
Coding change: c.2074C>G on transcript NM_004924.6 (MANE Select); coding-DNA position 2074, C replaced by G.
Protein change: p.Gln692Glu; replaces glutamine 692 with glutamic acid.
Molecular consequence: missense variant.
Genome position (GRCh38, 1-based): chr19:38,725,787, C>G. VCF-style: chr19-38725787-C-G. GRCh37 (hg19) VCF-style: chr19-39216427-C-G.
Other names: c.2074C>G, p.Gln692Glu (NM_001322033.2, NM_001411143.1); short protein forms Q692E.
Identifiers: ClinVar variation 4057018 (VCV004057018.1).

ClinVar aggregate classification (germline): Uncertain significance (1 of 4 stars; one submission).

gnomAD v4.1: 1 of 1,614,160 alleles (0.000062%); highest among the groups gnomAD compares: African/African-American, 0.0013%; no homozygotes.

Submission:

GeneDx
Classification: Uncertain significance. Last evaluated: 2025-01-07. Review status: criteria provided, single submitter. Criteria: GeneDx Variant Classification Process June 2021. Collection method: clinical testing. Allele origin: germline. Affected: yes.
Comment: Not observed at significant frequency in large population cohorts (gnomAD); In silico analysis indicates that this missense variant does not alter protein structure/function; Has not been previously published as pathogenic or benign to our knowledge